The following is an entry in ClinVar:

NM_001904.4(CTNNB1):c.1864_1865delinsAA (p.Ala622Asn)

Gene: CTNNB1 (catenin beta 1; plus strand). Cytogenetic location: 3p22.1.
Variant type: Indel.
Coding change: c.1864_1865delinsAA on transcript NM_001904.4 (MANE Select); coding-DNA positions 1864 to 1865, GC replaced by AA.
Protein change: p.Ala622Asn; replaces alanine 622 with asparagine.
Molecular consequence: missense variant.
Genome position (GRCh38, 1-based): chr3:41,236,409-41,236,410, GC replaced by AA. VCF-style: chr3-41236409-GC-AA. GRCh37 (hg19) VCF-style: chr3-41277900-GC-AA.
Other names: c.1864_1865delinsAA, p.Ala622Asn (NM_001098209.2, NM_001098210.2); c.1843_1844delinsAA, p.Ala615Asn (NM_001330729.2); short protein forms A615N, A622N.
Identifiers: ClinVar variation 3369803 (VCV003369803.1).

ClinVar aggregate classification (germline): Uncertain significance (1 of 4 stars; one submission).

Submission:

GeneDx
Classification: Uncertain significance. Last evaluated: 2024-02-25. Review status: criteria provided, single submitter. Criteria: GeneDx Variant Classification Process June 2021. Collection method: clinical testing. Allele origin: germline. Affected: yes.
Comment: Not observed at significant frequency in large population cohorts (gnomAD); In silico analysis supports a deleterious effect on protein structure/function; Has not been previously published as pathogenic or benign to our knowledge